The following is an entry in ClinVar:

NM_001394062.1(MACF1):c.14684A>T (p.Gln4895Leu)

Genes: MACF1 (microtubule actin crosslinking factor 1; plus strand), LOC114803468 (MACF1 eExon liver enhancer; plus strand). Cytogenetic location: 1p34.3.
Variant type: single nucleotide variant.
Coding change: c.14684A>T on transcript NM_001394062.1 (MANE Select); coding-DNA position 14684, A replaced by T.
Protein change: p.Gln4895Leu; replaces glutamine 4895 with leucine.
Molecular consequence: missense variant.
Genome position (GRCh38, 1-based): chr1:39,387,526, A>T. VCF-style: chr1-39387526-A-T. GRCh37 (hg19) VCF-style: chr1-39853198-A-T.
Other names: c.8498A>T, p.Gln2833Leu (NM_012090.5); short protein forms Q2833L, Q4895L.
Identifiers: ClinVar variation 4755944 (VCV004755944.1).

ClinVar aggregate classification (germline): Uncertain significance (1 of 4 stars; one submission).

gnomAD v4.1: 46 of 1,614,062 alleles (0.0028%); highest among the groups gnomAD compares: East Asian, 0.094%; no homozygotes.

Submission:

GeneDx
Classification: Uncertain significance. Last evaluated: 2025-08-06. Review status: criteria provided, single submitter. Criteria: GeneDx Variant Classification Process June 2021. Collection method: clinical testing. Allele origin: germline. Affected: yes.
Comment: Observed with a variant on the opposite allele (in trans) in a patient with generalized epilepsy in published literature (PMID: 40350249); In silico analysis supports that this missense variant has a deleterious effect on protein structure/function; This variant is associated with the following publications: (PMID: 40350249)